The following is an entry in ClinVar:

NM_018723.4(RBFOX1):c.964_969del (p.Thr322_Pro323del)

Gene: RBFOX1 (RNA binding fox-1 homolog 1; plus strand). Cytogenetic location: 16p13.3.
Variant type: Deletion.
Coding change: c.964_969del on transcript NM_018723.4 (MANE Select); coding-DNA positions 964 to 969, 6 bases deleted (ACCCCT; older notation c.964_969delACCCCT).
Protein change: p.Thr322_Pro323del.
Molecular consequence: inframe deletion.
Genome position (GRCh38, 1-based): chr16:7,676,807-7,676,812, ACCCCT deleted; deleting any 6 consecutive bases within chr16:7,676,804-7,676,812 gives the same sequence; the c. name uses the placement nearest the transcript's 3' end. VCF-style (leftmost placement, unchanged base first): chr16-7676803-GCCTACC-G. GRCh37 (hg19) VCF-style: chr16-7726805-GCCTACC-G.
Other names: c.883_888del, p.Thr295_Pro296del (NM_001142333.2); c.964_969del, p.Thr322_Pro323del (NM_001142334.2, NM_001364800.2); c.1093_1098del, p.Thr365_Pro366del (NM_001308117.1); c.1027_1032del, p.Thr343_Pro344del (NM_145891.3, NM_145892.3, NM_145893.3).
Identifiers: ClinVar variation 1360143 (VCV001360143.8), dbSNP rs2146427156, ClinGen allele CA2573152088.

ClinVar aggregate classification (germline): Uncertain significance (1 of 4 stars; one submission).

Conditions:
Idiopathic generalized epilepsy. Also called: EIG; Generalised epilepsy. Identifiers: MedGen C0270850, MONDO:0005579, OMIM 600669.

Submission:

Labcorp Genetics (formerly Invitae), Labcorp
Classification: Uncertain significance for Idiopathic generalized epilepsy. Last evaluated: 2022-06-13. Review status: criteria provided, single submitter. Criteria: Invitae Variant Classification Sherloc (09022015). Collection method: clinical testing. Allele origin: germline.
Comment: This variant is not present in population databases (gnomAD no frequency). This variant, c.1027_1032del, results in the deletion of 2 amino acid(s) of the RBFOX1 protein (p.Thr343_Pro344del), but otherwise preserves the integrity of the reading frame. This variant has not been reported in the literature in individuals affected with RBFOX1-related conditions. In summary, the available evidence is currently insufficient to determine the role of this variant in disease. Therefore, it has been classified as a Variant of Uncertain Significance. Experimental studies and prediction algorithms are not available or were not evaluated, and the functional significance of this variant is currently unknown.